The following is an entry in ClinVar:

NM_032578.4(MYPN):c.2441C>A (p.Pro814Gln)

Gene: MYPN (myopalladin; plus strand). Cytogenetic location: 10q21.3.
Variant type: single nucleotide variant.
Coding change: c.2441C>A on transcript NM_032578.4 (MANE Select); coding-DNA position 2441, C replaced by A.
Protein change: p.Pro814Gln; replaces proline 814 with glutamine.
Molecular consequence: missense variant. On other transcripts: non-coding transcript variant (2).
Genome position (GRCh38, 1-based): chr10:68,174,533, C>A. VCF-style: chr10-68174533-C-A. GRCh37 (hg19) VCF-style: chr10-69934290-C-A.
Other names: c.2441C>A, p.Pro814Gln (NM_001256267.2); c.1559C>A, p.Pro520Gln (NM_001256268.2); short protein forms P814Q, P520Q.
Identifiers: ClinVar variation 3298153 (VCV003298153.1).

ClinVar aggregate classification (germline): Uncertain significance (1 of 4 stars; one submission).

Conditions:
Cardiovascular phenotype. Identifiers: MedGen CN230736.

gnomAD v4.1: 1 of 1,614,122 alleles (0.000062%); highest among the groups gnomAD compares: Middle Eastern, 0.017%; no homozygotes.

Submission:

Ambry Genetics
Classification: Uncertain significance for Cardiovascular phenotype. Last evaluated: 2024-06-21. Review status: criteria provided, single submitter. Criteria: Ambry Variant Classification Scheme 2023. Collection method: clinical testing. Allele origin: germline.
Comment: The p.P814Q variant (also known as c.2441C>A), located in coding exon 10 of the MYPN gene, results from a C to A substitution at nucleotide position 2441. The proline at codon 814 is replaced by glutamine, an amino acid with similar properties. This amino acid position is conserved. In addition, the in silico prediction for this alteration is inconclusive. Based on the available evidence, the clinical significance of this variant remains unclear.